The following is an entry in ClinVar:

NM_080680.3(COL11A2):c.446G>A (p.Trp149Ter)

Gene: COL11A2 (collagen type XI alpha 2 chain; minus strand). Cytogenetic location: 6p21.32.
Variant type: single nucleotide variant.
Coding change: c.446G>A on transcript NM_080680.3 (MANE Select); coding-DNA position 446, G replaced by A.
Protein change: p.Trp149Ter; replaces tryptophan 149 with a stop codon.
Molecular consequence: nonsense. On other transcripts: 5 prime UTR variant (3), non-coding transcript variant (1).
Genome position (GRCh38, 1-based): chr6:33,188,522, C>T on the plus strand (G>A on the coding strand, the complement: COL11A2 is on the minus strand). VCF-style: chr6-33188522-C-T. GRCh37 (hg19) VCF-style: chr6-33156299-C-T.
Other names: c.446G>A, p.Trp149Ter (NM_001163771.2, NM_001424108.1, NM_080679.3 and 1 more transcripts); c.-401G>A (NM_001424109.1, NM_001424110.1, NM_001424111.1); short protein forms W149*.
Identifiers: ClinVar variation 3658454 (VCV003658454.2).
Genomic context (GRCh38, chr6:33,188,522, plus strand): 5'-TTCTTGCAGTCAACAATGAGGGTGACAGACTGGCCCTTCACAGCCACAGCCACACGGTGC[C>T]ACCTGGAAATGGTGGAAGAGGTTCAAGTGAACTCTTGGCTGACTGAAGTAGGGGAGTCAA-3'

ClinVar aggregate classification (germline): Pathogenic (1 of 4 stars; one submission).

Submission:

Labcorp Genetics (formerly Invitae), Labcorp
Classification: Pathogenic. Last evaluated: 2024-07-01. Review status: criteria provided, single submitter. Criteria: Invitae Variant Classification Sherloc (09022015). Collection method: clinical testing. Allele origin: germline.
Comment: This sequence change creates a premature translational stop signal (p.Trp149*) in the COL11A2 gene. It is expected to result in an absent or disrupted protein product. Loss-of-function variants in COL11A2 are known to be pathogenic (PMID: 10677296, 21204229). This variant is not present in population databases (gnomAD no frequency). This variant has not been reported in the literature in individuals affected with COL11A2-related conditions. For these reasons, this variant has been classified as Pathogenic.

Literature cited by the submitters: PubMed 10677296; PubMed 21204229.